The following is an entry in ClinVar:

ClinVar aggregate classification (germline): Uncertain significance. Review status: criteria provided, multiple submitters, no conflicts (2 of 4 stars). 2 submissions from 2 submitters: Uncertain significance (2). Last evaluated 2022-07-29.

Conditions:
Cardiovascular phenotype. Identifiers: MedGen CN230736.
Cholestanol storage disease (CTX). Also called: CEREBRAL CHOLESTERINOSIS; CTX: Cerebrotendinous xanthomatosis; Cerebrotendinous Xanthomatosis. Identifiers: Orphanet 909, MedGen C0238052, MONDO:0008948, OMIM 213700.

Allele frequency attached by ClinVar (database versions not stated): gnomAD 0.00001.
gnomAD v4.1: 15 of 1,614,080 alleles (0.00093%); highest among the groups gnomAD compares: Non-Finnish European, 0.0012%; no homozygotes.

Submissions (2):

Labcorp Genetics (formerly Invitae), Labcorp
Classification: Uncertain significance for Cholestanol storage disease. Last evaluated: 2022-07-29. Review status: criteria provided, single submitter. Criteria: Invitae Variant Classification Sherloc (09022015). Collection method: clinical testing. Allele origin: germline.
Comment: This sequence change replaces aspartic acid, which is acidic and polar, with histidine, which is basic and polar, at codon 434 of the CYP27A1 protein (p.Asp434His). This variant is present in population databases (no rsID available, gnomAD 0.007%). This variant has not been reported in the literature in individuals affected with CYP27A1-related conditions. Advanced modeling of protein sequence and biophysical properties (such as structural, functional, and spatial information, amino acid conservation, physicochemical variation, residue mobility, and thermodynamic stability) performed at Invitae indicates that this missense variant is expected to disrupt CYP27A1 protein function. In summary, the available evidence is currently insufficient to determine the role of this variant in disease. Therefore, it has been classified as a Variant of Uncertain Significance.

Ambry Genetics
Classification: Uncertain significance for Cardiovascular phenotype. Last evaluated: 2021-06-07. Review status: criteria provided, single submitter. Criteria: Ambry Variant Classification Scheme 2023. Collection method: clinical testing. Allele origin: germline.

NM_000784.4(CYP27A1):c.1300G>C (p.Asp434His)

Gene: CYP27A1 (cytochrome P450 family 27 subfamily A member 1; plus strand). Cytogenetic location: 2q35.
Variant type: single nucleotide variant.
Coding change: c.1300G>C on transcript NM_000784.4 (MANE Select); coding-DNA position 1300, G replaced by C.
Protein change: p.Asp434His; replaces aspartic acid 434 with histidine.
Molecular consequence: missense variant.
Genome position (GRCh38, 1-based): chr2:218,814,581, G>C. VCF-style: chr2-218814581-G-C. GRCh37 (hg19) VCF-style: chr2-219679304-G-C.
Other names: c.1300G>C (NM_000784.3); short protein forms D434H.
Identifiers: ClinVar variation 2165351 (VCV002165351.2), dbSNP rs772825536, ClinGen allele CA65835283.
Genomic context (GRCh38, chr2:218,814,581, plus strand): 5'-ATGCTGCCCAATCTTCCTTTATAGACCCAGTTTGTGTTCTGCCACTATGTGGTGTCCCGG[G>C]ACCCCACTGCCTTCTCTGAGCCTGAAAGCTTCCAGCCCCACCGCTGGCTGAGAAACAGCC-3'
Protein context (NP_000775.1, residues 424-444): FVFCHYVVSR[Asp434His]PTAFSEPESF